The following is an entry in ClinVar:

NM_017780.4(CHD7):c.3007T>A (p.Ser1003Thr)

Gene: CHD7 (chromodomain helicase DNA binding protein 7; plus strand). Cytogenetic location: 8q12.2.
Variant type: single nucleotide variant.
Coding change: c.3007T>A on transcript NM_017780.4 (MANE Select); coding-DNA position 3007, T replaced by A.
Protein change: p.Ser1003Thr; replaces serine 1003 with threonine.
Molecular consequence: missense variant. On other transcripts: intron variant (1).
Genome position (GRCh38, 1-based): chr8:60,822,552, T>A. VCF-style: chr8-60822552-T-A. GRCh37 (hg19) VCF-style: chr8-61735111-T-A.
Other names: c.1717-39677T>A (NM_001316690.1); short protein forms S1003T.
Identifiers: ClinVar variation 1798757 (VCV001798757.2), dbSNP rs2487811296, ClinGen allele CA371309205.

ClinVar aggregate classification (germline): Uncertain significance (1 of 4 stars; one submission).

Conditions:
Inborn genetic diseases. Identifiers: MedGen C0950123, MeSH D030342.

Submission:

Ambry Genetics
Classification: Uncertain significance for Inborn genetic diseases. Last evaluated: 2018-06-04. Review status: criteria provided, single submitter. Criteria: Ambry Variant Classification Scheme 2023. Collection method: clinical testing. Allele origin: germline.
Comment: The p.S1003T variant (also known as c.3007T>A), located in coding exon 11 of the CHD7 gene, results from a T to A substitution at nucleotide position 3007. The serine at codon 1003 is replaced by threonine, an amino acid with similar properties. This amino acid position is highly conserved in available vertebrate species. In addition, this alteration is predicted to be deleterious by in silico analysis. Since supporting evidence is limited at this time, the clinical significance of this alteration remains unclear.